The following is an entry in ClinVar:

NM_153717.3(EVC):c.2505G>A (p.Ser835=)

Gene: EVC (EvC ciliary complex subunit 1; plus strand). Cytogenetic location: 4p16.2.
Variant type: single nucleotide variant.
Coding change: c.2505G>A on transcript NM_153717.3 (MANE Select); coding-DNA position 2505, G replaced by A.
Protein change: p.Ser835=; no amino-acid change (serine 835 retained).
Molecular consequence: synonymous variant.
Genome position (GRCh38, 1-based): chr4:5,804,785, G>A. VCF-style: chr4-5804785-G-A. GRCh37 (hg19) VCF-style: chr4-5806512-G-A.
Other names: c.2505G>A, p.Ser835= (NM_001306090.2).
Identifiers: ClinVar variation 262777 (VCV000262777.33), dbSNP rs115976359, ClinGen allele CA2836549.

ClinVar aggregate classification (germline): Benign/Likely benign. Review status: criteria provided, multiple submitters, no conflicts (2 of 4 stars). 8 submissions from 8 submitters: Benign (5); Likely benign (2). 1 of the submissions does not count toward it. Last evaluated 2026-05-11.

Conditions:
Curry-Hall syndrome (WAD). Also called: WEYERS ACRODENTAL DYSOSTOSIS. Identifiers: Orphanet 952, MedGen C0457013, MONDO:0008673, OMIM 193530.
Ellis-van Creveld syndrome (EVC). Also called: MESOECTODERMAL DYSPLASIA; Chondroectodermal dysplasia. Identifiers: Orphanet 289, MedGen C0013903, MONDO:0009162, OMIM 225500.

Allele frequency attached by ClinVar (database versions not stated): TOPMed 0.00836; gnomAD 0.00969 and 0.01042; 1000 Genomes Project 30x 0.01280; 1000 Genomes Project 0.01318; ESP Exome Variant Server 0.01023; ExAC 0.01520.
gnomAD v4.1: 21,228 of 1,614,136 alleles (1.3%); highest among the groups gnomAD compares: South Asian, 4.5%; 252 homozygotes.

Submissions (8):

Women's Health and Genetics/Laboratory Corporation of America, LabCorp
Classification: Benign. Last evaluated: 2026-05-11. Review status: criteria provided, single submitter. Criteria: LabCorp Variant Classification Summary - May 2015. Collection method: clinical testing. Allele origin: germline.

Labcorp Genetics (formerly Invitae), Labcorp
Classification: Benign for Curry-Hall syndrome; Ellis-van Creveld syndrome. Last evaluated: 2026-02-04. Review status: criteria provided, single submitter. Criteria: Invitae Variant Classification Sherloc (09022015). Collection method: clinical testing. Allele origin: germline.

ARUP Laboratories, Molecular Genetics and Genomics, ARUP Laboratories
Classification: Benign. Last evaluated: 2025-07-22. Review status: criteria provided, single submitter. Criteria: ARUP Molecular Germline Variant Investigation Process 2024. Collection method: clinical testing. Allele origin: germline.

Illumina Laboratory Services, Illumina
Classification: Benign for Ellis-van Creveld syndrome. Last evaluated: 2018-01-13. Review status: criteria provided, single submitter. Criteria: ICSL Variant Classification Criteria 13 December 2019. Collection method: clinical testing. Allele origin: germline.
Comment: This variant was observed in the ICSL laboratory as part of a predisposition screen in an ostensibly healthy population. It had not been previously curated by ICSL or reported in the Human Gene Mutation Database (HGMD: prior to June 1st, 2018), and was therefore a candidate for classification through an automated scoring system. Utilizing variant allele frequency, disease prevalence and penetrance estimates, and inheritance mode, an automated score was calculated to assess if this variant is too frequent to cause the disease. Based on the score and internal cut-off values, a variant classified as benign is not then subjected to further curation. The score for this variant resulted in a classification of benign for this disease.

GeneDx
Classification: Benign. Last evaluated: 2016-11-07. Review status: criteria provided, single submitter. Criteria: GeneDx Variant Classification (06012015). Collection method: clinical testing. Allele origin: germline. Affected: yes.
Comment: This variant is considered likely benign or benign based on one or more of the following criteria: it is a conservative change, it occurs at a poorly conserved position in the protein, it is predicted to be benign by multiple in silico algorithms, and/or has population frequency not consistent with disease.

Breakthrough Genomics
Classification: Likely benign. Review status: criteria provided, single submitter. Criteria: ACMG Guidelines, 2015. Collection method: not provided. Allele origin: germline. Inheritance: Autosomal recessive inheritance. Affected: yes.

PreventionGenetics, part of Exact Sciences
Classification: Likely benign. Review status: criteria provided, single submitter. Criteria: ACMG Guidelines, 2015. Collection method: clinical testing. Allele origin: germline.

Natera, Inc.
Classification: Benign for Ellis-van Creveld syndrome. Last evaluated: 2020-09-16. Review status: no assertion criteria provided. Collection method: clinical testing. Allele origin: germline. Not counted in ClinVar's aggregate classification.